The following is an entry in ClinVar:

NM_024649.5(BBS1):c.518+1G>A

Gene: BBS1 (Bardet-Biedl syndrome 1; plus strand). Cytogenetic location: 11q13.2.
Variant type: single nucleotide variant.
Coding change: c.518+1G>A on transcript NM_024649.5 (MANE Select); the canonical splice donor site of the intron after coding-DNA position 518, G replaced by A.
Molecular consequence: splice donor variant.
Genome position (GRCh38, 1-based): chr11:66,515,732, G>A. VCF-style: chr11-66515732-G-A. GRCh37 (hg19) VCF-style: chr11-66283203-G-A.
Identifiers: ClinVar variation 552575 (VCV000552575.3), dbSNP rs771517209, ClinGen allele CA6123388.

ClinVar aggregate classification (germline): Likely pathogenic. Review status: criteria provided, single submitter (1 of 4 stars). 2 submissions from 2 submitters: Likely pathogenic (1). 1 of the submissions does not count toward it. Last evaluated 2026-01-20.

Conditions:
Bardet-Biedl syndrome 1 (BBS1). Identifiers: MedGen C2936862, MONDO:0008854, OMIM 209900. Disease mechanism: loss of function.

Allele frequency attached by ClinVar (database versions not stated): ExAC 0.00001; gnomAD exomes 0.00001.
gnomAD v4.1: 3 of 1,614,190 alleles (0.00019%); highest among the groups gnomAD compares: Non-Finnish European, 0.00025%; no homozygotes.

Submissions (2):

Natera, Inc.
Classification: Likely pathogenic for Bardet-Biedl syndrome type 1. Last evaluated: 2026-01-20. Review status: criteria provided, single submitter. Criteria: Natera Variant Classification Schema (03/2026). Collection method: clinical testing. Allele origin: germline.
Comment: The c.518+1G>A variant in BBS1 is a canonical splice donor site variant predicted to affect pre-mRNA splicing, which may result in an abnormal transcript and altered protein product. This variant may result in a truncated or dysfunctional protein product. This variant is rare in the general population with a frequency below the threshold expected for the associated phenotype(s). This variant has been observed in one or more individuals affected with the associated recessive disease, as either homozygous or compound heterozygous with a second variant (PMID: 21642631). Given the available evidence, this variant is classified as Likely Pathogenic.

Counsyl
Classification: Likely pathogenic for Bardet-Biedl syndrome 1. Last evaluated: 2017-06-15. Review status: no assertion criteria provided. Collection method: clinical testing. Allele origin: unknown. Not counted in ClinVar's aggregate classification.

Literature cited by the submitters: PubMed 21642631 (cited by Natera, Inc.); PubMed 22410627 (cited by Counsyl).